The following is an entry in ClinVar:

ClinVar aggregate classification (germline): Uncertain significance (1 of 4 stars; one submission).

Submission:

Labcorp Genetics (formerly Invitae), Labcorp
Classification: Uncertain significance. Last evaluated: 2024-11-16. Review status: criteria provided, single submitter. Criteria: Invitae Variant Classification Sherloc (09022015). Collection method: clinical testing. Allele origin: germline.
Comment: This sequence change replaces alanine, which is neutral and non-polar, with proline, which is neutral and non-polar, at codon 93 of the TAF1 protein (p.Ala93Pro). This variant is not present in population databases (gnomAD no frequency). This variant has not been reported in the literature in individuals affected with TAF1-related conditions. Invitae Evidence Modeling of protein sequence and biophysical properties (such as structural, functional, and spatial information, amino acid conservation, physicochemical variation, residue mobility, and thermodynamic stability) indicates that this missense variant is not expected to disrupt TAF1 protein function with a negative predictive value of 80%. In summary, the available evidence is currently insufficient to determine the role of this variant in disease. Therefore, it has been classified as a Variant of Uncertain Significance.

NM_004606.5(TAF1):c.217G>C (p.Ala73Pro)

Gene: TAF1 (TATA-box binding protein associated factor 1; plus strand). Cytogenetic location: Xq13.1.
Variant type: single nucleotide variant.
Coding change: c.217G>C on transcript NM_004606.5 (MANE Select); coding-DNA position 217, G replaced by C.
Protein change: p.Ala73Pro; replaces alanine 73 with proline.
Molecular consequence: missense variant. On other transcripts: non-coding transcript variant (9).
Genome position (GRCh38, 1-based): chrX:71,367,595, G>C. VCF-style: chrX-71367595-G-C. GRCh37 (hg19) VCF-style: chrX-70587445-G-C.
Other names: c.217G>C, p.Ala73Pro (NM_001286074.2, NM_138923.4); short protein forms A73P.
Identifiers: ClinVar variation 3665155 (VCV003665155.2).